The following is an entry in ClinVar:

NM_000038.6(APC):c.3474A>T (p.Arg1158Ser)

Gene: APC (APC regulator of Wnt signaling pathway; plus strand). Cytogenetic location: 5q22.2.
Variant type: single nucleotide variant.
Coding change: c.3474A>T on transcript NM_000038.6 (MANE Select); coding-DNA position 3474, A replaced by T.
Protein change: p.Arg1158Ser; replaces arginine 1158 with serine.
Molecular consequence: missense variant. On other transcripts: non-coding transcript variant (2).
Genome position (GRCh38, 1-based): chr5:112,839,068, A>T. VCF-style: chr5-112839068-A-T. GRCh37 (hg19) VCF-style: chr5-112174765-A-T.
Other names: c.3474A>T, p.Arg1158Ser (NM_001127510.3, NM_001354895.2, NM_001407450.1); c.3420A>T, p.Arg1140Ser (NM_001127511.3); c.3528A>T, p.Arg1176Ser (NM_001354896.2, NM_001407447.1, NM_001407448.1 and 1 more transcripts); c.3504A>T, p.Arg1168Ser (NM_001354897.2); c.3399A>T, p.Arg1133Ser (NM_001354898.2); c.3390A>T, p.Arg1130Ser (NM_001354899.2); c.3351A>T, p.Arg1117Ser (NM_001354900.2); c.3297A>T, p.Arg1099Ser (NM_001354901.2, NM_001407453.1); and 11 more; short protein forms R1099S, R1151S, R774S, R1029S, R1133S, R1032S, R1057S, R1067S.
Identifiers: ClinVar variation 2717089 (VCV002717089.3), dbSNP rs371597034, ClinGen allele CA035491.

ClinVar aggregate classification (germline): Uncertain significance (1 of 4 stars; one submission).

Conditions:
Familial adenomatous polyposis 1 (FAP1). Also called: FAMILIAL ADENOMATOUS POLYPOSIS 1, ATTENUATED; POLYPOSIS, ADENOMATOUS INTESTINAL. Identifiers: MedGen C2713442, MONDO:0021056, OMIM 175100. Disease mechanism: loss of function.

Allele frequency attached by ClinVar (database versions not stated): gnomAD exomes below 0.00001; ExAC 0.00001; ESP Exome Variant Server 0.00008.
gnomAD v4.1: 2 of 1,614,138 alleles (0.00012%); highest among the groups gnomAD compares: Non-Finnish European, 0.00017%; no homozygotes.

Submission:

Labcorp Genetics (formerly Invitae), Labcorp
Classification: Uncertain significance for Familial adenomatous polyposis 1. Last evaluated: 2023-06-16. Review status: criteria provided, single submitter. Criteria: Invitae Variant Classification Sherloc (09022015). Collection method: clinical testing. Allele origin: germline.
Comment: This variant is present in population databases (rs371597034, gnomAD 0.0009%). This sequence change replaces arginine, which is basic and polar, with serine, which is neutral and polar, at codon 1158 of the APC protein (p.Arg1158Ser). In summary, the available evidence is currently insufficient to determine the role of this variant in disease. Therefore, it has been classified as a Variant of Uncertain Significance. Advanced modeling of protein sequence and biophysical properties (such as structural, functional, and spatial information, amino acid conservation, physicochemical variation, residue mobility, and thermodynamic stability) performed at Invitae indicates that this missense variant is not expected to disrupt APC protein function. This variant has not been reported in the literature in individuals affected with APC-related conditions.